The following is an entry in ClinVar:

NM_001130004.2(ACTN1):c.875G>A (p.Arg292His)

Gene: ACTN1 (actinin alpha 1; minus strand). Cytogenetic location: 14q24.1.
Variant type: single nucleotide variant.
Coding change: c.875G>A on transcript NM_001130004.2 (MANE Select); coding-DNA position 875, G replaced by A.
Protein change: p.Arg292His; replaces arginine 292 with histidine.
Molecular consequence: missense variant.
Genome position (GRCh38, 1-based): chr14:68,892,264, C>T on the plus strand (G>A on the coding strand, the complement: ACTN1 is on the minus strand). VCF-style: chr14-68892264-C-T. GRCh37 (hg19) VCF-style: chr14-69358981-C-T.
Other names: c.875G>A, p.Arg292His (NM_001102.4, NM_001130005.2, NM_001411035.1); c.680G>A, p.Arg227His (NM_001411036.1); short protein forms R292H, R227H.
Identifiers: ClinVar variation 2188887 (VCV002188887.4), dbSNP rs369878847, ClinGen allele CA7242518.

ClinVar aggregate classification (germline): Uncertain significance (1 of 4 stars; one submission).

Allele frequency attached by ClinVar (database versions not stated): gnomAD exomes 0.00001; ExAC 0.00002; gnomAD 0.00004; TOPMed 0.00004; ESP Exome Variant Server 0.00008.
gnomAD v4.1: 14 of 1,613,008 alleles (0.00087%); highest among the groups gnomAD compares: African/African-American, 0.008%; no homozygotes.

Submission:

Labcorp Genetics (formerly Invitae), Labcorp
Classification: Uncertain significance. Last evaluated: 2023-01-30. Review status: criteria provided, single submitter. Criteria: Invitae Variant Classification Sherloc (09022015). Collection method: clinical testing. Allele origin: germline.
Comment: This sequence change replaces arginine, which is basic and polar, with histidine, which is basic and polar, at codon 292 of the ACTN1 protein (p.Arg292His). This variant is present in population databases (rs369878847, gnomAD 0.009%). This variant has not been reported in the literature in individuals affected with ACTN1-related conditions. Advanced modeling of protein sequence and biophysical properties (such as structural, functional, and spatial information, amino acid conservation, physicochemical variation, residue mobility, and thermodynamic stability) performed at Invitae indicates that this missense variant is not expected to disrupt ACTN1 protein function. In summary, the available evidence is currently insufficient to determine the role of this variant in disease. Therefore, it has been classified as a Variant of Uncertain Significance.